The following is an entry in ClinVar:

NM_000057.4(BLM):c.1364T>G (p.Phe455Cys)

Gene: BLM (BLM RecQ like helicase; plus strand). Cytogenetic location: 15q26.1.
Variant type: single nucleotide variant.
Coding change: c.1364T>G on transcript NM_000057.4 (MANE Select); coding-DNA position 1364, T replaced by G.
Protein change: p.Phe455Cys; replaces phenylalanine 455 with cysteine.
Molecular consequence: missense variant.
Genome position (GRCh38, 1-based): chr15:90,760,737, T>G. VCF-style: chr15-90760737-T-G. GRCh37 (hg19) VCF-style: chr15-91303967-T-G.
Other names: c.1364T>G, p.Phe455Cys (NM_001287246.2, NM_001287247.2); c.239T>G, p.Phe80Cys (NM_001287248.2); short protein forms F455C, F80C.
Identifiers: ClinVar variation 1711889 (VCV001711889.8), dbSNP rs2505425064, ClinGen allele CA393842904.

ClinVar aggregate classification (germline): Uncertain significance. Review status: criteria provided, multiple submitters, no conflicts (2 of 4 stars). 3 submissions from 3 submitters: Uncertain significance (3). Last evaluated 2025-01-13.

Conditions:
Hereditary cancer-predisposing syndrome. Also called: Neoplastic Syndromes, Hereditary; Tumor predisposition; Hereditary Cancer Syndrome; Hereditary neoplastic syndrome. Identifiers: Orphanet 140162, MedGen C0027672, MeSH D009386, MONDO:0015356.
Bloom syndrome (BLM). Also called: Bloom-Torre-Machacek syndrome. Identifiers: Orphanet 125, MedGen C0005859, MONDO:0008876, OMIM 210900.

Submissions (3):

Ambry Genetics
Classification: Uncertain significance for Hereditary cancer-predisposing syndrome. Last evaluated: 2025-01-13. Review status: criteria provided, single submitter. Criteria: Ambry Variant Classification Scheme 2023. Collection method: clinical testing. Allele origin: germline.
Comment: The p.F455C variant (also known as c.1364T>G), located in coding exon 6 of the BLM gene, results from a T to G substitution at nucleotide position 1364. The phenylalanine at codon 455 is replaced by cysteine, an amino acid with highly dissimilar properties. This amino acid position is conserved. In addition, this alteration is predicted to be tolerated by in silico analysis. Since supporting evidence is limited at this time, the clinical significance of this alteration remains unclear.

Labcorp Genetics (formerly Invitae), Labcorp
Classification: Uncertain significance for Bloom syndrome. Last evaluated: 2023-01-31. Review status: criteria provided, single submitter. Criteria: Invitae Variant Classification Sherloc (09022015). Collection method: clinical testing. Allele origin: germline.
Comment: This sequence change replaces phenylalanine, which is neutral and non-polar, with cysteine, which is neutral and slightly polar, at codon 455 of the BLM protein (p.Phe455Cys). This variant is not present in population databases (gnomAD no frequency). This variant has not been reported in the literature in individuals affected with BLM-related conditions. ClinVar contains an entry for this variant (Variation ID: 1711889). Advanced modeling of protein sequence and biophysical properties (such as structural, functional, and spatial information, amino acid conservation, physicochemical variation, residue mobility, and thermodynamic stability) performed at Invitae indicates that this missense variant is not expected to disrupt BLM protein function. In summary, the available evidence is currently insufficient to determine the role of this variant in disease. Therefore, it has been classified as a Variant of Uncertain Significance.

GeneDx
Classification: Uncertain significance. Last evaluated: 2022-04-22. Review status: criteria provided, single submitter. Criteria: GeneDx Variant Classification Process June 2021. Collection method: clinical testing. Allele origin: germline. Affected: yes.
Comment: Not observed at significant frequency in large population cohorts (gnomAD); In silico analysis supports that this missense variant does not alter protein structure/function; Has not been previously published as pathogenic or benign to our knowledge